The following is an entry in ClinVar:

NM_004465.2(FGF10):c.325+8A>C

Gene: FGF10 (fibroblast growth factor 10; minus strand). Cytogenetic location: 5p12.
Variant type: single nucleotide variant.
Coding change: c.325+8A>C on transcript NM_004465.2 (MANE Select); 8 bases into the intron after coding-DNA position 325, A replaced by C.
Molecular consequence: intron variant.
Genome position (GRCh38, 1-based): chr5:44,388,350, T>G on the plus strand (A>C on the coding strand, the complement: FGF10 is on the minus strand). VCF-style: chr5-44388350-T-G. GRCh37 (hg19) VCF-style: chr5-44388452-T-G.
Identifiers: ClinVar variation 3896695 (VCV003896695.2).

ClinVar aggregate classification (germline): Likely benign (1 of 4 stars; one submission).

gnomAD v4.1: 1 of 1,612,314 alleles (0.000062%); highest among the groups gnomAD compares: Non-Finnish European, 0.000085%; no homozygotes.

Submission:

Women's Health and Genetics/Laboratory Corporation of America, LabCorp
Classification: Likely benign. Last evaluated: 2025-04-22. Review status: criteria provided, single submitter. Criteria: LabCorp Variant Classification Summary - May 2015. Collection method: clinical testing. Allele origin: germline.
Comment: Variant summary: FGF10 c.325+8A>C alters a nucleotide located at a position not widely known to affect splicing. Consensus agreement among computation tools predict no significant impact on normal splicing. However, these predictions have yet to be confirmed by functional studies. The variant was absent in 250546 control chromosomes. The available data on variant occurrences in the general population are insufficient to allow any conclusion about variant significance. To our knowledge, no occurrence of c.325+8A>C in individuals affected with FGF10-Related Disorders and no experimental evidence demonstrating its impact on protein function have been reported. No submitters have cited clinical-significance assessments for this variant to ClinVar. Based on the evidence outlined above, the variant was classified as likely benign.